The following is an entry in ClinVar:

ClinVar aggregate classification (germline): Uncertain significance (1 of 4 stars; one submission).

Allele frequency attached by ClinVar (database versions not stated): gnomAD exomes below 0.00001.
gnomAD v4.1: 3 of 1,614,128 alleles (0.00019%); highest among the groups gnomAD compares: Non-Finnish European, 0.00025%; no homozygotes.

Submission:

Labcorp Genetics (formerly Invitae), Labcorp
Classification: Uncertain significance. Last evaluated: 2023-06-15. Review status: criteria provided, single submitter. Criteria: Invitae Variant Classification Sherloc (09022015). Collection method: clinical testing. Allele origin: germline.
Comment: This sequence change replaces proline, which is neutral and non-polar, with leucine, which is neutral and non-polar, at codon 1398 of the COL11A2 protein (p.Pro1398Leu). In summary, the available evidence is currently insufficient to determine the role of this variant in disease. Therefore, it has been classified as a Variant of Uncertain Significance. Advanced modeling of protein sequence and biophysical properties (such as structural, functional, and spatial information, amino acid conservation, physicochemical variation, residue mobility, and thermodynamic stability) performed at Invitae indicates that this missense variant is not expected to disrupt COL11A2 protein function. This variant has not been reported in the literature in individuals affected with COL11A2-related conditions. This variant is not present in population databases (gnomAD no frequency).

NM_080680.3(COL11A2):c.4193C>T (p.Pro1398Leu)

Gene: COL11A2 (collagen type XI alpha 2 chain; minus strand). Cytogenetic location: 6p21.32.
Variant type: single nucleotide variant.
Coding change: c.4193C>T on transcript NM_080680.3 (MANE Select); coding-DNA position 4193, C replaced by T.
Protein change: p.Pro1398Leu; replaces proline 1398 with leucine.
Molecular consequence: missense variant.
Genome position (GRCh38, 1-based): chr6:33,167,107, G>A on the plus strand (C>T on the coding strand, the complement: COL11A2 is on the minus strand). VCF-style: chr6-33167107-G-A. GRCh37 (hg19) VCF-style: chr6-33134884-G-A.
Other names: c.4013C>T, p.Pro1338Leu (NM_001424108.1); c.3347C>T, p.Pro1116Leu (NM_001424109.1); c.3167C>T, p.Pro1056Leu (NM_001424110.1, NM_001424111.1); c.2147C>T, p.Pro716Leu (NM_001424112.1); c.3872C>T, p.Pro1291Leu (NM_080679.3); c.3935C>T, p.Pro1312Leu (NM_080681.3); short protein forms P1398L, P1291L, P1056L, P1116L, P716L, P1312L, P1338L.
Identifiers: ClinVar variation 2792064 (VCV002792064.3), dbSNP rs2534555220, ClinGen allele CA363622098.
Genomic context (GRCh38, chr6:33,167,107, plus strand): 5'-CCACGTGTCTGTCTGTCACTCACCTTCTCTCCCTTGGCTCCAGCATCGCCCCGGAGACCA[G>A]GCAGCCCTGGGGGTCCCTGTGGAGAGATGGGAAGTCATTCTCTTAAGGGAGAGGTGGGAC-3'
Protein context (NP_542411.2, residues 1388-1408): PPGPVGPPGL[Pro1398Leu]GLRGDAGAKG